The following is an entry in ClinVar:

NM_052859.4(RFT1):c.1209-6C>T

Gene: RFT1 (RFT1 glycolipid translocator homolog; minus strand). Cytogenetic location: 3p21.1.
Variant type: single nucleotide variant.
Coding change: c.1209-6C>T on transcript NM_052859.4 (MANE Select); 6 bases into the intron before coding-DNA position 1209, C replaced by T.
Molecular consequence: intron variant.
Genome position (GRCh38, 1-based): chr3:53,092,624, G>A on the plus strand (C>T on the coding strand, the complement: RFT1 is on the minus strand). VCF-style: chr3-53092624-G-A. GRCh37 (hg19) VCF-style: chr3-53126640-G-A.
Identifiers: ClinVar variation 514398 (VCV000514398.11), dbSNP rs543699868, ClinGen allele CA2451198.

ClinVar aggregate classification (germline): Likely benign. Review status: criteria provided, multiple submitters, no conflicts (2 of 4 stars). 4 submissions from 4 submitters: Likely benign (3). 1 of the submissions does not count toward it. Last evaluated 2025-04-27.

Conditions:
RFT1-congenital disorder of glycosylation (CDG1N). Also called: CDG In; Congenital disorder of glycosylation type In; RFT1-CDG. Identifiers: Orphanet 244310, MedGen C2677590, MONDO:0012783, OMIM 612015.
RFT1-related disorder. Also called: RFT1-related condition.

Allele frequency attached by ClinVar (database versions not stated): ExAC 0.00006; gnomAD 0.00007; gnomAD exomes 0.00007 and 0.00008; TOPMed 0.00007.
gnomAD v4.1: 127 of 1,609,500 alleles (0.0079%); highest among the groups gnomAD compares: Middle Eastern, 0.016%; 1 homozygote.

Submissions (4):

Labcorp Genetics (formerly Invitae), Labcorp
Classification: Likely benign for RFT1-congenital disorder of glycosylation. Last evaluated: 2025-04-27. Review status: criteria provided, single submitter. Criteria: Invitae Variant Classification Sherloc (09022015). Collection method: clinical testing. Allele origin: germline.

GeneDx
Classification: Likely benign. Last evaluated: 2017-12-28. Review status: criteria provided, single submitter. Criteria: GeneDx Variant Classification (06012015). Collection method: clinical testing. Allele origin: germline. Affected: yes.
Comment: This variant is considered likely benign or benign based on one or more of the following criteria: it is a conservative change, it occurs at a poorly conserved position in the protein, it is predicted to be benign by multiple in silico algorithms, and/or has population frequency not consistent with disease.

Breakthrough Genomics
Classification: Likely benign. Review status: criteria provided, single submitter. Criteria: ACMG Guidelines, 2015. Collection method: not provided. Allele origin: germline. Inheritance: Autosomal recessive inheritance. Affected: yes.

PreventionGenetics, part of Exact Sciences
Classification: Likely benign for RFT1-related condition. Last evaluated: 2019-06-24. Review status: no assertion criteria provided. Collection method: clinical testing. Allele origin: germline. Not counted in ClinVar's aggregate classification.
Comment: This variant is classified as likely benign based on ACMG/AMP sequence variant interpretation guidelines (Richards et al. 2015 PMID: 25741868, with internal and published modifications).